The following is an entry in ClinVar:

NM_001458.5(FLNC):c.4496G>A (p.Gly1499Asp)

Gene: FLNC (filamin C; plus strand). Cytogenetic location: 7q32.1.
Variant type: single nucleotide variant.
Coding change: c.4496G>A on transcript NM_001458.5 (MANE Select); coding-DNA position 4496, G replaced by A.
Protein change: p.Gly1499Asp; replaces glycine 1499 with aspartic acid.
Molecular consequence: missense variant.
Genome position (GRCh38, 1-based): chr7:128,847,984, G>A. VCF-style: chr7-128847984-G-A. GRCh37 (hg19) VCF-style: chr7-128488038-G-A.
Other names: c.4496G>A, p.Gly1499Asp (NM_001127487.2); short protein forms G1499D.
Identifiers: ClinVar variation 2928668 (VCV002928668.3), dbSNP rs771265415, ClinGen allele CA369201886.

ClinVar aggregate classification (germline): Uncertain significance (1 of 4 stars; one submission).

Conditions:
Hypertrophic cardiomyopathy 26. Also called: Cardiomyopathy, familial hypertrophic, 26. Identifiers: Orphanet 75249, MedGen C4310749, MONDO:0014883, OMIM 617047.
Myofibrillar myopathy 5. Also called: Filaminopathy (type); FILAMINOPATHY, AUTOSOMAL DOMINANT. Identifiers: Orphanet 171445, MedGen C1836050, MONDO:0012289, OMIM 609524.
Distal myopathy with posterior leg and anterior hand involvement. Also called: WILLIAMS DISTAL MYOPATHY. Identifiers: Orphanet 63273, MedGen C3279722, MONDO:0013550, OMIM 614065.

Submission:

Labcorp Genetics (formerly Invitae), Labcorp
Classification: Uncertain significance for Distal myopathy with posterior leg and anterior hand involvement; Myofibrillar myopathy 5; Hypertrophic cardiomyopathy 26. Last evaluated: 2023-07-06. Review status: criteria provided, single submitter. Criteria: Invitae Variant Classification Sherloc (09022015). Collection method: clinical testing. Allele origin: germline.
Comment: This sequence change replaces glycine, which is neutral and non-polar, with aspartic acid, which is acidic and polar, at codon 1499 of the FLNC protein (p.Gly1499Asp). This variant is not present in population databases (gnomAD no frequency). This variant has not been reported in the literature in individuals affected with FLNC-related conditions. Advanced modeling of protein sequence and biophysical properties (such as structural, functional, and spatial information, amino acid conservation, physicochemical variation, residue mobility, and thermodynamic stability) has been performed at Invitae for this missense variant, however the output from this modeling did not meet the statistical confidence thresholds required to predict the impact of this variant on FLNC protein function. In summary, the available evidence is currently insufficient to determine the role of this variant in disease. Therefore, it has been classified as a Variant of Uncertain Significance.